The following is an entry in ClinVar:

ClinVar aggregate classification (germline): Conflicting classifications of pathogenicity. Review status: criteria provided, conflicting classifications (1 of 4 stars). 2 submissions from 2 submitters: Uncertain significance (1); Likely benign (1). Last evaluated 2025-12-16.

Conditions:
Hereditary cancer-predisposing syndrome. Also called: Hereditary neoplastic syndrome; Hereditary Cancer Syndrome; Neoplastic Syndromes, Hereditary; Tumor predisposition. Identifiers: Orphanet 140162, MedGen C0027672, MeSH D009386, MONDO:0015356.
Familial adenomatous polyposis 2. Also called: MYH-associated polyposis; COLORECTAL ADENOMATOUS POLYPOSIS, AUTOSOMAL RECESSIVE; ADENOMAS, MULTIPLE COLORECTAL, AUTOSOMAL RECESSIVE; MUTYH-related attenuated familial adenomatous polyposis; Adenomas, multiple colorectal; FAP type 2. Identifiers: Orphanet 220460, Orphanet 247798, MedGen C3272841, MONDO:0012041, OMIM 608456.

Submissions (2):

Labcorp Genetics (formerly Invitae), Labcorp
Classification: Uncertain significance for Familial adenomatous polyposis 2. Last evaluated: 2025-12-16. Review status: criteria provided, single submitter. Criteria: Invitae Variant Classification Sherloc (09022015). Collection method: clinical testing. Allele origin: germline.
Comment: This sequence change replaces aspartic acid, which is acidic and polar, with alanine, which is neutral and non-polar, at codon 530 of the MUTYH protein (p.Asp530Ala). This variant is not present in population databases (gnomAD no frequency). This variant has not been reported in the literature in individuals affected with MUTYH-related conditions. ClinVar contains an entry for this variant (Variation ID: 483926). An algorithm developed to predict the effect of missense changes on protein structure and function (PolyPhen-2) suggests that this variant is likely to be tolerated. RNA analysis performed to evaluate the impact of this missense change on mRNA splicing indicates it does not significantly alter splicing (internal data). In summary, the available evidence is currently insufficient to determine the role of this variant in disease. Therefore, it has been classified as a Variant of Uncertain Significance.

Ambry Genetics
Classification: Likely benign for Hereditary cancer-predisposing syndrome. Last evaluated: 2025-09-09. Review status: criteria provided, single submitter. Criteria: Ambry Variant Classification Scheme 2023. Collection method: clinical testing. Allele origin: germline.

NM_001048174.2(MUTYH):c.1505A>C (p.Asp502Ala)

Gene: MUTYH (mutY DNA glycosylase; minus strand). Cytogenetic location: 1p34.1.
Variant type: single nucleotide variant.
Coding change: c.1505A>C on transcript NM_001048174.2 (MANE Select); coding-DNA position 1505, A replaced by C.
Protein change: p.Asp502Ala; replaces aspartic acid 502 with alanine.
Molecular consequence: missense variant. On other transcripts: non-coding transcript variant (2).
Genome position (GRCh38, 1-based): chr1:45,329,367, T>G on the plus strand (A>C on the coding strand, the complement: MUTYH is on the minus strand). VCF-style: chr1-45329367-T-G. GRCh37 (hg19) VCF-style: chr1-45795039-T-G.
Other names: c.1505A>C, p.Asp502Ala (NM_001048171.2, NM_001048173.2, NM_001293195.2); c.1508A>C, p.Asp503Ala (NM_001048172.2); c.1589A>C, p.Asp530Ala (NM_001128425.2); c.1550A>C, p.Asp517Ala (NM_001293190.2); c.1538A>C, p.Asp513Ala (NM_001293191.2); c.1229A>C, p.Asp410Ala (NM_001293192.2, NM_001293196.2); c.1160A>C, p.Asp387Ala (NM_001350650.2, NM_001350651.2); c.1580A>C, p.Asp527Ala (NM_012222.3); short protein forms D530A, D503A, D387A, D513A, D527A, D517A, D410A, D502A.
Identifiers: ClinVar variation 483926 (VCV000483926.9), dbSNP rs1553122883, ClinGen allele CA340131674.